The following is an entry in ClinVar:

NM_001267727.2(ARSG):c.1005dup (p.Thr336fs)

Gene: ARSG (arylsulfatase G; plus strand). Cytogenetic location: 17q24.2.
Variant type: Duplication.
Coding change: c.1005dup on transcript NM_001267727.2 (MANE Select); coding-DNA position 1005, one base duplicated (G; older notation c.1005dupG).
Protein change: p.Thr336fs; shifts the reading frame from threonine 336.
Molecular consequence: frameshift variant.
Genome position (GRCh38, 1-based): chr17:68,385,086, G duplicated. VCF-style (leftmost placement, unchanged base first): chr17-68385085-C-CG. GRCh37 (hg19) VCF-style: chr17-66381226-C-CG.
Other names: c.1005dup, p.Thr336fs (NM_001352899.2, NM_001352900.2, NM_001352901.2 and 3 more transcripts); c.1002dup, p.Thr335fs (NM_001352903.2, NM_001352904.2, NM_001352905.2 and 2 more transcripts); c.957dup, p.Thr320fs (NM_001352909.2); short protein forms T336fs, T335fs, T320fs.
Identifiers: ClinVar variation 4710828 (VCV004710828.1).

ClinVar aggregate classification (germline): Pathogenic (1 of 4 stars; one submission).

Submission:

Labcorp Genetics (formerly Invitae), Labcorp
Classification: Pathogenic. Last evaluated: 2025-07-27. Review status: criteria provided, single submitter. Criteria: Invitae Variant Classification Sherloc (09022015). Collection method: clinical testing. Allele origin: germline.
Comment: This sequence change creates a premature translational stop signal (p.Thr336Aspfs*21) in the ARSG gene. It is expected to result in an absent or disrupted protein product. Loss-of-function variants in ARSG are known to be pathogenic (PMID: 26975023, 34223797). This variant is present in population databases (rs764479499, gnomAD 0.0009%). This variant has not been reported in the literature in individuals affected with ARSG-related conditions. For these reasons, this variant has been classified as Pathogenic.

Literature cited by the submitters: PubMed 26975023; PubMed 34223797.